The following is an entry in ClinVar:

ClinVar aggregate classification (germline): Uncertain significance (1 of 4 stars; one submission).

Conditions:
Warburg micro syndrome 2 (WARBM2). Also called: MICRO SYNDROME 2. Identifiers: Orphanet 2510, MedGen C3280214, MONDO:0013641, OMIM 614225.
Martsolf syndrome (MARTS). Also called: Congenital cataract with intellectual disability and hypogonadotropic hypogonadism syndrome. Identifiers: Orphanet 1387, MedGen C0796037, MONDO:0023910.

Submission:

Labcorp Genetics (formerly Invitae), Labcorp
Classification: Uncertain significance for Martsolf syndrome; Warburg micro syndrome 2. Last evaluated: 2023-08-10. Review status: criteria provided, single submitter. Criteria: Invitae Variant Classification Sherloc (09022015). Collection method: clinical testing. Allele origin: germline.
Comment: In summary, the available evidence is currently insufficient to determine the role of this variant in disease. Therefore, it has been classified as a Variant of Uncertain Significance. Advanced modeling of protein sequence and biophysical properties (such as structural, functional, and spatial information, amino acid conservation, physicochemical variation, residue mobility, and thermodynamic stability) performed at Invitae indicates that this missense variant is not expected to disrupt RAB3GAP2 protein function. ClinVar contains an entry for this variant (Variation ID: 1714455). This variant has not been reported in the literature in individuals affected with RAB3GAP2-related conditions. This variant is not present in population databases (gnomAD no frequency). This sequence change replaces valine, which is neutral and non-polar, with alanine, which is neutral and non-polar, at codon 436 of the RAB3GAP2 protein (p.Val436Ala).

NM_012414.4(RAB3GAP2):c.1307T>C (p.Val436Ala)

Gene: RAB3GAP2 (RAB3 GTPase activating non-catalytic protein subunit 2; minus strand). Cytogenetic location: 1q41.
Variant type: single nucleotide variant.
Coding change: c.1307T>C on transcript NM_012414.4 (MANE Select); coding-DNA position 1307, T replaced by C.
Protein change: p.Val436Ala; replaces valine 436 with alanine.
Molecular consequence: missense variant.
Genome position (GRCh38, 1-based): chr1:220,191,248, A>G on the plus strand (T>C on the coding strand, the complement: RAB3GAP2 is on the minus strand). VCF-style: chr1-220191248-A-G. GRCh37 (hg19) VCF-style: chr1-220364590-A-G.
Other names: short protein forms V436A.
Identifiers: ClinVar variation 1714455 (VCV001714455.5), dbSNP rs2528681397, ClinGen allele CA344645694.